The following is an entry in ClinVar:

NM_001845.6(COL4A1):c.3550G>A (p.Asp1184Asn)

Gene: COL4A1 (collagen type IV alpha 1 chain; minus strand). Cytogenetic location: 13q34.
Variant type: single nucleotide variant.
Coding change: c.3550G>A on transcript NM_001845.6 (MANE Select); coding-DNA position 3550, G replaced by A.
Protein change: p.Asp1184Asn; replaces aspartic acid 1184 with asparagine.
Molecular consequence: missense variant.
Genome position (GRCh38, 1-based): chr13:110,172,726, C>T on the plus strand (G>A on the coding strand, the complement: COL4A1 is on the minus strand). VCF-style: chr13-110172726-C-T. GRCh37 (hg19) VCF-style: chr13-110825073-C-T.
Other names: short protein forms D1184N.
Identifiers: ClinVar variation 3390087 (VCV003390087.14).

ClinVar aggregate classification (germline): Uncertain significance (1 of 4 stars; one submission).

Submission:

CeGaT Center for Human Genetics Tuebingen
Classification: Uncertain significance. Last evaluated: 2024-11-01. Review status: criteria provided, single submitter. Criteria: CeGaT Center For Human Genetics Tuebingen Variant Classification Criteria Version 2. Collection method: clinical testing. Allele origin: germline. Affected: yes. Observed: 1 variant allele.
Comment: COL4A1: PM2